The following is an entry in ClinVar:

NM_025114.4(CEP290):c.514A>C (p.Lys172Gln)

Gene: CEP290 (centrosomal protein 290; minus strand). Cytogenetic location: 12q21.32.
Variant type: single nucleotide variant.
Coding change: c.514A>C on transcript NM_025114.4 (MANE Select); coding-DNA position 514, A replaced by C.
Protein change: p.Lys172Gln; replaces lysine 172 with glutamine.
Molecular consequence: missense variant.
Genome position (GRCh38, 1-based): chr12:88,130,547, T>G on the plus strand (A>C on the coding strand, the complement: CEP290 is on the minus strand). VCF-style: chr12-88130547-T-G. GRCh37 (hg19) VCF-style: chr12-88524324-T-G.
Other names: short protein forms K172Q.
Identifiers: ClinVar variation 497319 (VCV000497319.30), dbSNP rs765944337, ClinGen allele CA6712766.
Genomic context (GRCh38, chr12:88,130,547, plus strand): 5'-ATAGTGCTCTCACAACATATTTTAAATTCCCAAGATTTCACCACACTTAAAGCCTCACCT[T>G]TTTCTTTAGACGTTTGTTCTACAGAAAAGGACAGGAAAACGGTAATTAGAAATGAGAAAG-3'
Protein context (NP_079390.3, residues 162-182): LRRENKRLKK[Lys172Gln]NEQLCQDIID

ClinVar aggregate classification (germline): Uncertain significance. Review status: criteria provided, multiple submitters, no conflicts (2 of 4 stars). 7 submissions from 7 submitters: Uncertain significance (7). Last evaluated 2026-05-06.

Conditions:
Meckel-Gruber syndrome. Also called: GRUBER SYNDROME; Dysencephalia splachnocystica; DYSENCEPHALIA SPLANCHNOCYSTICA. Identifiers: Orphanet 564, MedGen C0265215, MONDO:0018921.
Joubert syndrome. Also called: Familial aplasia of the vermis; JOUBERT-BOLTSHAUSER SYNDROME. Identifiers: Orphanet 475, MedGen C5979921, MONDO:0018772.
Nephronophthisis. Also called: Juvenile Nephronophthisis. Identifiers: Orphanet 655, MedGen C0687120, MONDO:0019005, HP:0000090.
Joubert syndrome 5 (JBTS5). Identifiers: Orphanet 2318, MedGen C1857780, MONDO:0012432, OMIM 610188.
CEP290-related disorder. Also called: CEP290-related condition; CEP290-related disorders. Identifiers: MedGen CN239314.
Leber congenital amaurosis 10 (LCA10). Identifiers: Orphanet 65, MedGen C1857821, MONDO:0012723, OMIM 611755.
Meckel syndrome, type 4 (MKS4). Also called: MECKEL-GRUBER SYNDROME, TYPE 4. Identifiers: Orphanet 564, MedGen C1970161, MONDO:0012626, OMIM 611134.
Senior-Loken syndrome 6 (SLSN6). Identifiers: Orphanet 3156, MedGen C1857779, MONDO:0012433, OMIM 610189.
Bardet-Biedl syndrome 14 (BBS14). Identifiers: Orphanet 110, MedGen C2673874, MONDO:0014442, OMIM 615991.

Allele frequency attached by ClinVar (database versions not stated): ExAC 0.00001; gnomAD exomes 0.00002; gnomAD 0.00003; TOPMed 0.00003.
gnomAD v4.1: 41 of 1,594,000 alleles (0.0026%); highest among the groups gnomAD compares: Non-Finnish European, 0.0034%; no homozygotes.

Submissions (7):

PreventionGenetics, part of Exact Sciences
Classification: Uncertain significance for CEP290-related condition. Last evaluated: 2026-05-06. Review status: criteria provided, single submitter. Criteria: ACMG Guidelines, 2015. Collection method: clinical testing. Allele origin: germline.
Comment: The CEP290 c.514A>C variant is predicted to result in the amino acid substitution p.Lys172Gln. To our knowledge, this variant has not been reported in the literature. This variant is reported in 0.0044% of alleles in individuals of African descent in gnomAD. At this time, the clinical significance of this variant is uncertain due to the absence of conclusive functional and genetic evidence.

CeGaT Center for Human Genetics Tuebingen
Classification: Uncertain significance. Last evaluated: 2024-07-01. Review status: criteria provided, single submitter. Criteria: CeGaT Center For Human Genetics Tuebingen Variant Classification Criteria Version 2. Collection method: clinical testing. Allele origin: germline. Affected: yes. Observed: 1 variant allele.
Comment: CEP290: PM2

Blueprint Genetics
Classification: Uncertain significance. Last evaluated: 2023-11-16. Review status: criteria provided, single submitter. Criteria: ACMG Guidelines, 2015. Collection method: clinical testing. Allele origin: germline.

Labcorp Genetics (formerly Invitae), Labcorp
Classification: Uncertain significance for Joubert syndrome; Meckel-Gruber syndrome; Nephronophthisis. Last evaluated: 2022-04-15. Review status: criteria provided, single submitter. Criteria: Invitae Variant Classification Sherloc (09022015). Collection method: clinical testing. Allele origin: germline.
Comment: This sequence change replaces lysine, which is basic and polar, with glutamine, which is neutral and polar, at codon 172 of the CEP290 protein (p.Lys172Gln). The frequency data for this variant in the population databases is considered unreliable, as metrics indicate poor data quality at this position in the gnomAD database. This variant has not been reported in the literature in individuals affected with CEP290-related conditions. ClinVar contains an entry for this variant (Variation ID: 497319). Algorithms developed to predict the effect of missense changes on protein structure and function are either unavailable or do not agree on the potential impact of this missense change (SIFT: "Deleterious"; PolyPhen-2: "Probably Damaging"; Align-GVGD: "Class C0"). In summary, the available evidence is currently insufficient to determine the role of this variant in disease. Therefore, it has been classified as a Variant of Uncertain Significance.

Fulgent Genetics
Classification: Uncertain significance for Joubert syndrome 5; Senior-Loken syndrome 6; Meckel syndrome, type 4; Leber congenital amaurosis 10; Bardet-Biedl syndrome 14. Last evaluated: 2022-01-18. Review status: criteria provided, single submitter. Criteria: ACMG Guidelines, 2015. Collection method: clinical testing. Allele origin: unknown.

Centre for Mendelian Genomics, University Medical Centre Ljubljana
Classification: Uncertain significance for Joubert syndrome 5. Last evaluated: 2020-01-21. Review status: criteria provided, single submitter. Criteria: ACMG Guidelines, 2015. Collection method: clinical testing. Allele origin: unknown. Affected: yes.
Comment: This variant was classified as: Uncertain significance. The available evidence on this variant's pathogenicity is insufficient or conflicting. The following ACMG criteria were applied in classifying this variant: PM1,PM2,PP3.

Eurofins Ntd Llc (ga)
Classification: Uncertain significance. Last evaluated: 2016-09-28. Review status: criteria provided, single submitter. Criteria: EGL Classification Definitions 2015. Collection method: clinical testing. Allele origin: germline. Observed: 1 variant allele, 1 heterozygote.